The following is an entry in ClinVar:

ClinVar aggregate classification (germline): Uncertain significance. Review status: criteria provided, multiple submitters, no conflicts (2 of 4 stars). 2 submissions from 2 submitters: Uncertain significance (2). Last evaluated 2024-04-27.

Conditions:
Congenital myopathy 22A, classic (CMYO22A). Identifiers: MedGen C5830453, MONDO:0957247, OMIM 620351.
Hypokalemic periodic paralysis, type 2 (HOKPP2). Identifiers: Orphanet 681, MedGen C2750061, MONDO:0013234, OMIM 613345.
Hyperkalemic periodic paralysis. Also called: Gamstorp disease; Familial hyperkalemic periodic paralysis. Identifiers: Orphanet 682, MedGen C0238357, MONDO:0008224, OMIM 170500, HP:0007215.
Congenital myopathy 22B, severe fetal (CMYO22B). Identifiers: MedGen C5830501, MONDO:0957265, OMIM 620369.
Congenital myasthenic syndrome 16. Identifiers: Orphanet 590, MedGen C3280112, MONDO:0013620, OMIM 614198.
Potassium-aggravated myotonia. Also called: MYOTONIA CONGENITA, ACETAZOLAMIDE-RESPONSIVE; MYOTONIA CONGENITA, ATYPICAL; SODIUM CHANNEL MUSCLE DISEASE; Myotonia congenita, atypical, acetazolamide-responsive. Identifiers: Orphanet 612, Orphanet 99734, Orphanet 99735, Orphanet 99736, MedGen C2931826, MONDO:0018959, OMIM 608390.
Paramyotonia congenita of Von Eulenburg. Also called: PARALYSIS PERIODICA PARAMYOTONICA; Eulenburg disease; Myotonia congenita intermittens; Von Eulenburg paramyotonia congenita; Paramyotonia Congenita. Identifiers: Orphanet 684, MedGen C0221055, MONDO:0008195, OMIM 168300. Disease mechanism: loss of function.

gnomAD v4.1: 4 of 1,614,000 alleles (0.00025%); highest among the groups gnomAD compares: African/African-American, 0.004%; no homozygotes.

Submissions (2):

Fulgent Genetics
Classification: Uncertain significance for Paramyotonia congenita of Von Eulenburg; Hyperkalemic periodic paralysis; Potassium-aggravated myotonia; Hypokalemic periodic paralysis, type 2; Congenital myasthenic syndrome 16; Congenital myopathy 22A, classic; Congenital myopathy 22B, severe fetal. Last evaluated: 2024-04-27. Review status: criteria provided, single submitter. Criteria: ACMG Guidelines, 2015. Collection method: clinical testing. Allele origin: germline.

Labcorp Genetics (formerly Invitae), Labcorp
Classification: Uncertain significance for Hyperkalemic periodic paralysis. Last evaluated: 2024-03-02. Review status: criteria provided, single submitter. Criteria: Invitae Variant Classification Sherloc (09022015). Collection method: clinical testing. Allele origin: germline.
Comment: This sequence change replaces glycine, which is neutral and non-polar, with arginine, which is basic and polar, at codon 1613 of the SCN4A protein (p.Gly1613Arg). This variant is present in population databases (rs377161258, gnomAD 0.02%). This variant has not been reported in the literature in individuals affected with SCN4A-related conditions. Advanced modeling of protein sequence and biophysical properties (such as structural, functional, and spatial information, amino acid conservation, physicochemical variation, residue mobility, and thermodynamic stability) performed at Invitae indicates that this missense variant is not expected to disrupt SCN4A protein function with a negative predictive value of 80%. In summary, the available evidence is currently insufficient to determine the role of this variant in disease. Therefore, it has been classified as a Variant of Uncertain Significance.

NM_000334.4(SCN4A):c.4837G>C (p.Gly1613Arg)

Genes: GH-LCR (growth hormone locus control region; plus strand), SCN4A (sodium voltage-gated channel alpha subunit 4; minus strand). Cytogenetic location: 17q23.3.
Variant type: single nucleotide variant.
Coding change: c.4837G>C on transcript NM_000334.4 (MANE Select); coding-DNA position 4837, G replaced by C.
Protein change: p.Gly1613Arg; replaces glycine 1613 with arginine.
Molecular consequence: missense variant.
Genome position (GRCh38, 1-based): chr17:63,941,445, C>G on the plus strand (G>C on the coding strand, the complement: SCN4A is on the minus strand). VCF-style: chr17-63941445-C-G. GRCh37 (hg19) VCF-style: chr17-62018805-C-G.
Other names: short protein forms G1613R.
Identifiers: ClinVar variation 3582640 (VCV003582640.3).